The following is an entry in ClinVar:

NM_003128.3(SPTBN1):c.1782C>G (p.Phe594Leu)

Gene: SPTBN1 (spectrin beta, non-erythrocytic 1; plus strand). Cytogenetic location: 2p16.2.
Variant type: single nucleotide variant.
Coding change: c.1782C>G on transcript NM_003128.3 (MANE Select); coding-DNA position 1782, C replaced by G.
Protein change: p.Phe594Leu; replaces phenylalanine 594 with leucine.
Molecular consequence: missense variant.
Genome position (GRCh38, 1-based): chr2:54,628,234, C>G. VCF-style: chr2-54628234-C-G. GRCh37 (hg19) VCF-style: chr2-54855371-C-G.
Other names: c.1743C>G, p.Phe581Leu (NM_178313.3); short protein forms F581L, F594L.
Identifiers: ClinVar variation 3381229 (VCV003381229.2).

ClinVar aggregate classification (germline): Uncertain significance (1 of 4 stars; one submission).

Conditions:
Developmental delay, impaired speech, and behavioral abnormalities. Identifiers: MedGen C5561957, MONDO:0859178, OMIM 619475.

gnomAD v4.1: 2 of 1,612,804 alleles (0.00012%); highest among the groups gnomAD compares: Admixed American, 0.0033%; no homozygotes.

Submission:

Servicio de Genética Del Instituto Nacional de Salud Del Niño, Ministerio de Salud
Classification: Uncertain significance for Developmental delay, impaired speech, and behavioral abnormalities. Last evaluated: 2024-11-18. Review status: criteria provided, single submitter. Criteria: ACMG Guidelines, 2015. Collection method: clinical testing. Allele origin: germline. Inheritance: Autosomal dominant inheritance.
Comment: The variant NM_003128.3:p.Phe594Leu results in a missense mutation where phenylalanine at position 594 is replaced by leucine. This change could potentially alter the protein’s structure and function. Based on ACMG/AMP guidelines, the variant is classified as PM2 (low frequency in population databases), suggesting a low likelihood of being a benign polymorphism. Additionally, it meets PP2 (conservation of the amino acid across species), indicating a potential functional impact. Despite these findings, functional or clinical evidence is still needed to fully assess its pathogenicity, so the variant remains classified as uncertain significance